The following is an entry in ClinVar:

ClinVar aggregate classification (germline): Uncertain significance (1 of 4 stars; one submission).

Submission:

Women's Health and Genetics/Laboratory Corporation of America, LabCorp
Classification: Uncertain significance. Last evaluated: 2025-06-23. Review status: criteria provided, single submitter. Criteria: LabCorp Variant Classification Summary - May 2015. Collection method: clinical testing. Allele origin: germline.
Comment: Variant summary: SLC35B2 c.248dupG (p.Asn84GlnfsX2) results in a premature termination codon, predicted to cause a truncation of the encoded protein or absence of the protein due to nonsense mediated decay, however current evidence is not sufficient to establish loss of function as a mechanism for disease. The variant was absent in 251462 control chromosomes (gnomAD). The available data on variant occurrences in the general population are insufficient to allow any conclusion about variant significance. To our knowledge, no occurrence of c.248dupG in individuals affected with Leukodystrophy, Hypomyelinating, 26, With Chondrodysplasia and no experimental evidence demonstrating its impact on protein function have been reported. No submitters have cited clinical-significance assessments for this variant to ClinVar. Based on the evidence outlined above, the variant was classified as uncertain significance.

NM_178148.4(SLC35B2):c.248dup (p.Asn84fs)

Gene: SLC35B2 (solute carrier family 35 member B2; minus strand). Cytogenetic location: 6p21.1.
Variant type: Duplication.
Coding change: c.248dup on transcript NM_178148.4 (MANE Select); coding-DNA position 248, one base duplicated (G; older notation c.248dupG).
Protein change: p.Asn84fs; shifts the reading frame from asparagine 84.
Molecular consequence: frameshift variant. On other transcripts: 5 prime UTR variant (2), intron variant (2).
Genome position (GRCh38, 1-based): chr6:44,256,454, C duplicated on the plus strand (G on the coding strand, the reverse complement: SLC35B2 is on the minus strand); the first of 2 consecutive C bases (chr6:44,256,454-44,256,455); duplicating either gives the same sequence. VCF-style (leftmost placement, unchanged base first): chr6-44256453-G-GC. GRCh37 (hg19) VCF-style: chr6-44224190-G-GC.
Other names: c.233dup, p.Asn79fs (NM_001286509.2, NM_001286510.2); c.101dup, p.Asn35fs (NM_001286511.2, NM_001286512.2); c.-68dup (NM_001286517.2); c.-156dup (NM_001286520.2); c.-39-810dup (NM_001286519.2); c.81+231dup (NM_001286513.2); c.248dupG (NM_178148.4); short protein forms N35fs, N79fs, N84fs.
Identifiers: ClinVar variation 3907593 (VCV003907593.1).